The following is an entry in ClinVar:

NM_001199267.2(DGKZ):c.2571-3C>T

Gene: DGKZ (diacylglycerol kinase zeta; plus strand). Cytogenetic location: 11p11.2.
Variant type: single nucleotide variant.
Coding change: c.2571-3C>T on transcript NM_001199267.2 (MANE Select); 3 bases into the intron before coding-DNA position 2571, C replaced by T.
Molecular consequence: intron variant. On other transcripts: synonymous variant (1).
Genome position (GRCh38, 1-based): chr11:46,379,466, C>T. VCF-style: chr11-46379466-C-T. GRCh37 (hg19) VCF-style: chr11-46401016-C-T.
Other names: c.2586-3C>T (NM_201533.3); c.2574-3C>T (NM_003646.4); c.2505-3C>T (NM_001199268.2); c.3138-3C>T (NM_001105540.2); c.2586C>T, p.Pro862= (NM_001199266.2); c.2622-3C>T (NM_201532.3).
Identifiers: ClinVar variation 2747040 (VCV002747040.3), dbSNP rs1181840395, ClinGen allele CA2613304950.

ClinVar aggregate classification (germline): Uncertain significance (1 of 4 stars; one submission).

Allele frequency attached by ClinVar (database versions not stated): gnomAD exomes below 0.00001.
gnomAD v4.1: 1 of 1,608,210 alleles (0.000062%); highest among the groups gnomAD compares: African/African-American, 0.0013%; no homozygotes.

Submission:

Labcorp Genetics (formerly Invitae), Labcorp
Classification: Uncertain significance. Last evaluated: 2024-05-15. Review status: criteria provided, single submitter. Criteria: Invitae Variant Classification Sherloc (09022015). Collection method: clinical testing. Allele origin: germline.
Comment: This sequence change falls in intron 30 of the DGKZ gene. It does not directly change the encoded amino acid sequence of the DGKZ protein. It affects a nucleotide within the consensus splice site. This variant is not present in population databases (gnomAD no frequency). This variant has not been reported in the literature in individuals affected with DGKZ-related conditions. Variants that disrupt the consensus splice site are a relatively common cause of aberrant splicing (PMID: 17576681, 9536098). Algorithms developed to predict the effect of sequence changes on RNA splicing suggest that this variant is not likely to affect RNA splicing. In summary, the available evidence is currently insufficient to determine the role of this variant in disease. Therefore, it has been classified as a Variant of Uncertain Significance.

Literature cited by the submitters: PubMed 17576681; PubMed 9536098.